The following is an entry in ClinVar:

ClinVar aggregate classification (germline): Likely benign (0 of 4 stars; one submission).

Conditions:
SEMA3F-related disorder. Also called: SEMA3F-related condition.

gnomAD v4.1: 36 of 1,613,738 alleles (0.0022%); highest among the groups gnomAD compares: African/African-American, 0.023%; no homozygotes.

Submission:

PreventionGenetics, part of Exact Sciences
Classification: Likely benign for SEMA3F-related condition. Last evaluated: 2024-03-15. Review status: no assertion criteria provided. Collection method: clinical testing. Allele origin: germline.
Comment: This variant is classified as likely benign based on ACMG/AMP sequence variant interpretation guidelines (Richards et al. 2015 PMID: 25741868, with internal and published modifications).

NM_004186.5(SEMA3F):c.981G>A (p.Pro327=)

Gene: SEMA3F (semaphorin 3F; plus strand). Cytogenetic location: 3p21.31.
Variant type: single nucleotide variant.
Coding change: c.981G>A on transcript NM_004186.5 (MANE Select); coding-DNA position 981, G replaced by A.
Protein change: p.Pro327=; no amino-acid change (proline 327 retained).
Molecular consequence: synonymous variant.
Genome position (GRCh38, 1-based): chr3:50,182,981, G>A. VCF-style: chr3-50182981-G-A. GRCh37 (hg19) VCF-style: chr3-50220414-G-A.
Other names: c.684G>A, p.Pro228= (NM_001318798.2); c.888G>A, p.Pro296= (NM_001318800.2).
Identifiers: ClinVar variation 3357321 (VCV003357321.1).